The following is an entry in ClinVar:

NM_003200.5(TCF3):c.1960A>C (p.Met654Leu)

Gene: TCF3 (transcription factor 3; minus strand). Cytogenetic location: 19p13.3.
Variant type: single nucleotide variant.
Coding change: c.1960A>C on transcript NM_003200.5 (MANE Select); coding-DNA position 1960, A replaced by C.
Protein change: p.Met654Leu; replaces methionine 654 with leucine.
Molecular consequence: missense variant.
Genome position (GRCh38, 1-based): chr19:1,611,712, T>G on the plus strand (A>C on the coding strand, the complement: TCF3 is on the minus strand). VCF-style: chr19-1611712-T-G. GRCh37 (hg19) VCF-style: chr19-1611711-T-G.
Other names: c.1951A>C, p.Met651Leu (NM_001136139.4, NM_001351779.2); c.1957A>C, p.Met653Leu (NM_001351778.2); short protein forms M653L, M654L, M651L.
Identifiers: ClinVar variation 2081063 (VCV002081063.4), dbSNP rs758917874, ClinGen allele CA9049490.

ClinVar aggregate classification (germline): Uncertain significance (1 of 4 stars; one submission).

Allele frequency attached by ClinVar (database versions not stated): ExAC 0.00004.
gnomAD v4.1: 12 of 1,612,848 alleles (0.00074%); highest among the groups gnomAD compares: South Asian, 0.013%; no homozygotes.

Submission:

Labcorp Genetics (formerly Invitae), Labcorp
Classification: Uncertain significance. Last evaluated: 2023-10-13. Review status: criteria provided, single submitter. Criteria: Invitae Variant Classification Sherloc (09022015). Collection method: clinical testing. Allele origin: germline.
Comment: This sequence change replaces methionine, which is neutral and non-polar, with leucine, which is neutral and non-polar, at codon 654 of the TCF3 protein (p.Met654Leu). This variant is present in population databases (rs758917874, gnomAD 0.02%). This variant has not been reported in the literature in individuals affected with TCF3-related conditions. ClinVar contains an entry for this variant (Variation ID: 2081063). Advanced modeling of protein sequence and biophysical properties (such as structural, functional, and spatial information, amino acid conservation, physicochemical variation, residue mobility, and thermodynamic stability) performed at Invitae indicates that this missense variant is not expected to disrupt TCF3 protein function. In summary, the available evidence is currently insufficient to determine the role of this variant in disease. Therefore, it has been classified as a Variant of Uncertain Significance.